The following is an entry in ClinVar:

NM_016026.4(RDH11):c.401C>T (p.Pro134Leu)

Genes: GPHN (gephyrin; plus strand), RDH11 (retinol dehydrogenase 11; minus strand). Cytogenetic location: 14q24.1.
Variant type: single nucleotide variant.
Coding change: c.401C>T on transcript NM_016026.4 (MANE Select); coding-DNA position 401, C replaced by T.
Protein change: p.Pro134Leu; replaces proline 134 with leucine.
Molecular consequence: missense variant.
Genome position (GRCh38, 1-based): chr14:67,691,193, G>A on the plus strand (C>T on the coding strand, the complement: RDH11 is on the minus strand). VCF-style: chr14-67691193-G-A. GRCh37 (hg19) VCF-style: chr14-68157910-G-A.
Other names: c.401C>T, p.Pro134Leu (NM_001252650.2); short protein forms P134L.
Identifiers: ClinVar variation 972373 (VCV000972373.7), dbSNP rs115917815, ClinGen allele CA7238405.

ClinVar aggregate classification (germline): Uncertain significance. Review status: criteria provided, multiple submitters, no conflicts (2 of 4 stars). 2 submissions from 2 submitters: Uncertain significance (2). Last evaluated 2023-11-20.

Allele frequency attached by ClinVar (database versions not stated): ExAC 0.00005; gnomAD exomes 0.00005; gnomAD 0.00016 and 0.00018; TOPMed 0.00018; ESP Exome Variant Server 0.00046.
gnomAD v4.1: 58 of 1,613,834 alleles (0.0036%); highest among the groups gnomAD compares: African/African-American, 0.057%; no homozygotes.

Submissions (2):

Labcorp Genetics (formerly Invitae), Labcorp
Classification: Uncertain significance. Last evaluated: 2023-11-20. Review status: criteria provided, single submitter. Criteria: Invitae Variant Classification Sherloc (09022015). Collection method: clinical testing. Allele origin: germline.
Comment: This sequence change replaces proline, which is neutral and non-polar, with leucine, which is neutral and non-polar, at codon 134 of the RDH11 protein (p.Pro134Leu). This variant is present in population databases (rs115917815, gnomAD 0.05%). This missense change has been observed in individual(s) with clinical features of RDH11-related conditions (PMID: 32483926). ClinVar contains an entry for this variant (Variation ID: 972373). An algorithm developed to predict the effect of missense changes on protein structure and function (PolyPhen-2) suggests that this variant is likely to be disruptive. In summary, the available evidence is currently insufficient to determine the role of this variant in disease. Therefore, it has been classified as a Variant of Uncertain Significance.

Blueprint Genetics
Classification: Uncertain significance. Last evaluated: 2022-08-30. Review status: criteria provided, single submitter. Criteria: ACMG Guidelines, 2015. Collection method: clinical testing. Allele origin: germline.

Literature cited by the submitters: PubMed 32483926 (cited by Labcorp Genetics (formerly Invitae), Labcorp).